The following is an entry in ClinVar:

ClinVar aggregate classification (germline): Likely benign. Review status: criteria provided, multiple submitters, no conflicts (2 of 4 stars). 2 submissions from 2 submitters: Likely benign (2). Last evaluated 2024-09-23.

Allele frequency attached by ClinVar (database versions not stated): gnomAD 0.00001; gnomAD exomes 0.00002; TOPMed 0.00005; ExAC 0.00007.
gnomAD v4.1: 23 of 1,613,934 alleles (0.0014%); highest among the groups gnomAD compares: Admixed American, 0.038%; no homozygotes.

Submissions (2):

Women's Health and Genetics/Laboratory Corporation of America, LabCorp
Classification: Likely benign. Last evaluated: 2024-09-23. Review status: criteria provided, single submitter. Criteria: LabCorp Variant Classification Summary - May 2015. Collection method: clinical testing. Allele origin: germline.
Comment: Variant summary: ABCC8 c.2040+14C>A alters a non-conserved nucleotide located at a position not widely known to affect splicing. The variant allele was found at a frequency of 7.6e-05 in 250284 control chromosomes. This frequency is not significantly higher than estimated for a pathogenic variant in ABCC8 causing Familial Hyperinsulinism (7.6e-05 vs 0.0034), allowing no conclusion about variant significance. To our knowledge, no occurrence of c.2040+14C>A in individuals affected with Familial Hyperinsulinism and no experimental evidence demonstrating its impact on protein function have been reported. ClinVar contains an entry for this variant (Variation ID: 2915699). Based on the evidence outlined above, the variant was classified as likely benign.

Labcorp Genetics (formerly Invitae), Labcorp
Classification: Likely benign. Last evaluated: 2024-02-11. Review status: criteria provided, single submitter. Criteria: Invitae Variant Classification Sherloc (09022015). Collection method: clinical testing. Allele origin: germline.

NM_000352.6(ABCC8):c.2040+14C>A

Gene: ABCC8 (ATP binding cassette subfamily C member 8; minus strand). Cytogenetic location: 11p15.1.
Variant type: single nucleotide variant.
Coding change: c.2040+14C>A on transcript NM_000352.6 (MANE Select); 14 bases into the intron after coding-DNA position 2040, C replaced by A.
Molecular consequence: intron variant.
Genome position (GRCh38, 1-based): chr11:17,428,275, G>T on the plus strand (C>A on the coding strand, the complement: ABCC8 is on the minus strand). VCF-style: chr11-17428275-G-T. GRCh37 (hg19) VCF-style: chr11-17449822-G-T.
Other names: c.2037+14C>A (NM_001351297.2, NM_001351296.2); c.2106+14C>A (NM_001351295.2); c.2040+14C>A (NM_001287174.3).
Identifiers: ClinVar variation 2915699 (VCV002915699.4), dbSNP rs758392763, ClinGen allele CA5903338.